The following is an entry in ClinVar:

ClinVar aggregate classification (germline): Uncertain significance (1 of 4 stars; one submission).

Conditions:
Cardiovascular phenotype. Identifiers: MedGen CN230736.

Submission:

Ambry Genetics
Classification: Uncertain significance for Cardiovascular phenotype. Last evaluated: 2024-07-31. Review status: criteria provided, single submitter. Criteria: Ambry Variant Classification Scheme 2023. Collection method: clinical testing. Allele origin: germline.
Comment: The p.R1630P variant (also known as c.4889G>C), located in coding exon 8 of the ALMS1 gene, results from a G to C substitution at nucleotide position 4889. The arginine at codon 1630 is replaced by proline, an amino acid with dissimilar properties. This amino acid position is poorly conserved in available vertebrate species. In addition, the in silico prediction for this alteration is inconclusive. Based on the available evidence, the clinical significance of this variant remains unclear.

NM_001378454.1(ALMS1):c.4886G>C (p.Arg1629Pro)

Gene: ALMS1 (ALMS1 centrosome and basal body associated protein; plus strand). Cytogenetic location: 2p13.1.
Variant type: single nucleotide variant.
Coding change: c.4886G>C on transcript NM_001378454.1 (MANE Select); coding-DNA position 4886, G replaced by C.
Protein change: p.Arg1629Pro; replaces arginine 1629 with proline.
Molecular consequence: missense variant.
Genome position (GRCh38, 1-based): chr2:73,451,413, G>C. VCF-style: chr2-73451413-G-C. GRCh37 (hg19) VCF-style: chr2-73678540-G-C.
Other names: c.4889G>C, p.Arg1630Pro (NM_015120.4); short protein forms R1630P, R1629P.
Identifiers: ClinVar variation 3526801 (VCV003526801.1).